The following is an entry in ClinVar:

ClinVar aggregate classification (germline): Pathogenic (1 of 4 stars; one submission).

Conditions:
Tyrosinemia type III. Also called: 4-HYDROXYPHENYLPYRUVIC ACID OXIDASE DEFICIENCY; Tyrosinemia type 3; 4-alpha hydroxyphenylpyruvic acid oxidase deficiency; 4-alpha hydroxyphenylpyruvate dioxygenase deficiency; 4-Hydroxyphenylpyruvate dioxygenase deficiency. Identifiers: Orphanet 69723, MedGen C0268623, MONDO:0010162, OMIM 276710.
Hawkinsinuria. Identifiers: Orphanet 2118, MedGen C2931042, MONDO:0007700, OMIM 140350, HP:0034457.

Submission:

Labcorp Genetics (formerly Invitae), Labcorp
Classification: Pathogenic for Tyrosinemia type III; Hawkinsinuria. Last evaluated: 2023-05-07. Review status: criteria provided, single submitter. Criteria: Invitae Variant Classification Sherloc (09022015). Collection method: clinical testing. Allele origin: unknown.
Comment: For these reasons, this variant has been classified as Pathogenic. This variant has not been reported in the literature in individuals affected with HPD-related conditions. This variant is a gross deletion of the genomic region encompassing exon(s) 1-2 of the HPD gene, which includes the initiator codon. This deletion extends beyond the assayed region for this gene and therefore may encompass additional genes. It is expected to result in an absent or disrupted protein product. Loss-of-function variants in HPD are known to be pathogenic (PMID: 10942115, 23036342).

Literature cited by the submitters: PubMed 10942115; PubMed 23036342.

NC_000012.11:g.(?_122296573)_(122296729_?)del

Gene: HPD (4-hydroxyphenylpyruvate dioxygenase; minus strand). Cytogenetic location: 12q24.31.
Variant type: Deletion.
Identifiers: ClinVar variation 3244249 (VCV003244249.1).